The following is an entry in ClinVar:

NM_006254.4(PRKCD):c.1264C>T (p.His422Tyr)

Gene: PRKCD (protein kinase C delta; plus strand). Cytogenetic location: 3p21.1.
Variant type: single nucleotide variant.
Coding change: c.1264C>T on transcript NM_006254.4 (MANE Select); coding-DNA position 1264, C replaced by T.
Protein change: p.His422Tyr; replaces histidine 422 with tyrosine.
Molecular consequence: missense variant.
Genome position (GRCh38, 1-based): chr3:53,186,607, C>T. VCF-style: chr3-53186607-C-T. GRCh37 (hg19) VCF-style: chr3-53220623-C-T.
Other names: c.1264C>T, p.His422Tyr (NM_001316327.2, NM_001354679.2, NM_001354680.2 and 1 more transcripts); c.1321C>T, p.His441Tyr (NM_001354676.2); c.1312C>T, p.His438Tyr (NM_001354678.2); short protein forms H438Y, H441Y, H422Y.
Identifiers: ClinVar variation 3720977 (VCV003720977.1).

ClinVar aggregate classification (germline): Uncertain significance (1 of 4 stars; one submission).

Conditions:
Autoimmune lymphoproliferative syndrome, type III caused by mutation in PRKCD. Identifiers: Orphanet 3261, Orphanet 664711, MedGen C3809928, MONDO:8000024, OMIM 615559.

Submission:

Labcorp Genetics (formerly Invitae), Labcorp
Classification: Uncertain significance for Autoimmune lymphoproliferative syndrome, type III caused by mutation in PRKCD. Last evaluated: 2024-05-18. Review status: criteria provided, single submitter. Criteria: Invitae Variant Classification Sherloc (09022015). Collection method: clinical testing. Allele origin: germline.
Comment: This sequence change replaces histidine, which is basic and polar, with tyrosine, which is neutral and polar, at codon 422 of the PRKCD protein (p.His422Tyr). This variant is present in population databases (no rsID available, gnomAD 0.003%). This variant has not been reported in the literature in individuals affected with PRKCD-related conditions. An algorithm developed to predict the effect of missense changes on protein structure and function (PolyPhen-2) suggests that this variant is likely to be disruptive. In summary, the available evidence is currently insufficient to determine the role of this variant in disease. Therefore, it has been classified as a Variant of Uncertain Significance.